The following is an entry in ClinVar:

NM_014014.5(SNRNP200):c.2179T>G (p.Ser727Ala)

Gene: SNRNP200 (small nuclear ribonucleoprotein U5 subunit 200; minus strand). Cytogenetic location: 2q11.2.
Variant type: single nucleotide variant.
Coding change: c.2179T>G on transcript NM_014014.5 (MANE Select); coding-DNA position 2179, T replaced by G.
Protein change: p.Ser727Ala; replaces serine 727 with alanine.
Molecular consequence: missense variant.
Genome position (GRCh38, 1-based): chr2:96,291,882, A>C on the plus strand (T>G on the coding strand, the complement: SNRNP200 is on the minus strand). VCF-style: chr2-96291882-A-C. GRCh37 (hg19) VCF-style: chr2-96957620-A-C.
Other names: short protein forms S727A.
Identifiers: ClinVar variation 4746942 (VCV004746942.2).

ClinVar aggregate classification (germline): Uncertain significance. Review status: criteria provided, multiple submitters, no conflicts (2 of 4 stars). 2 submissions from 2 submitters: Uncertain significance (2). Last evaluated 2026-01-13.

Submissions (2):

Labcorp Genetics (formerly Invitae), Labcorp
Classification: Uncertain significance. Last evaluated: 2026-01-13. Review status: criteria provided, single submitter. Criteria: Invitae Variant Classification Sherloc (09022015). Collection method: clinical testing. Allele origin: germline.
Comment: This sequence change replaces serine, which is neutral and polar, with alanine, which is neutral and non-polar, at codon 727 of the SNRNP200 protein (p.Ser727Ala). This variant is not present in population databases (gnomAD no frequency). This variant has not been reported in the literature in individuals affected with SNRNP200-related conditions. Invitae Evidence Modeling of protein sequence and biophysical properties (such as structural, functional, and spatial information, amino acid conservation, physicochemical variation, residue mobility, and thermodynamic stability) indicates that this missense variant is not expected to disrupt SNRNP200 protein function with a negative predictive value of 95%. In summary, the available evidence is currently insufficient to determine the role of this variant in disease. Therefore, it has been classified as a Variant of Uncertain Significance.

Blueprint Genetics
Classification: Uncertain significance. Last evaluated: 2023-03-29. Review status: criteria provided, single submitter. Criteria: ACMG Guidelines, 2015. Collection method: clinical testing. Allele origin: germline.